The following is an entry in ClinVar:

NM_198075.4(LRRC56):c.972T>C (p.His324=)

Gene: LRRC56 (leucine rich repeat containing 56; plus strand). Cytogenetic location: 11p15.5.
Variant type: single nucleotide variant.
Coding change: c.972T>C on transcript NM_198075.4 (MANE Select); coding-DNA position 972, T replaced by C.
Protein change: p.His324=; no amino-acid change (histidine 324 retained).
Molecular consequence: synonymous variant.
Genome position (GRCh38, 1-based): chr11:551,826, T>C. VCF-style: chr11-551826-T-C. GRCh37 (hg19) VCF-style: chr11-551826-T-C.
Other names: c.972T>C (NM_198075.3).
Identifiers: ClinVar variation 1370786 (VCV001370786.7), dbSNP rs199784204, ClinGen allele CA5779879.

ClinVar aggregate classification (germline): Uncertain significance. Review status: criteria provided, multiple submitters, no conflicts (2 of 4 stars). 3 submissions from 3 submitters: Uncertain significance (2). 1 of the submissions does not count toward it. Last evaluated 2022-08-22.

Conditions:
LRRC56-related disorder. Also called: LRRC56-related condition.
Ciliary dyskinesia, primary, 39. Also called: CILIARY DYSKINESIA, PRIMARY, 39, WITH OR WITHOUT SITUS INVERSUS. Identifiers: MedGen C4748841, MONDO:0032637, OMIM 618254.

Allele frequency attached by ClinVar (database versions not stated): ESP Exome Variant Server 0.00015; gnomAD exomes 0.00023; TOPMed 0.00025; ExAC 0.00026; gnomAD 0.00026.

Submissions (3):

Labcorp Genetics (formerly Invitae), Labcorp
Classification: Uncertain significance. Last evaluated: 2022-08-22. Review status: criteria provided, single submitter. Criteria: Invitae Variant Classification Sherloc (09022015). Collection method: clinical testing. Allele origin: germline.
Comment: This sequence change affects codon 324 of the LRRC56 mRNA. It is a 'silent' change, meaning that it does not change the encoded amino acid sequence of the LRRC56 protein. It affects a nucleotide within the consensus splice site. This variant is present in population databases (rs199784204, gnomAD 0.04%). This variant has not been reported in the literature in individuals affected with LRRC56-related conditions. ClinVar contains an entry for this variant (Variation ID: 1370786). Algorithms developed to predict the effect of sequence changes on RNA splicing suggest that this variant is not likely to affect RNA splicing. In summary, the available evidence is currently insufficient to determine the role of this variant in disease. Therefore, it has been classified as a Variant of Uncertain Significance.

Revvity Omics, Revvity
Classification: Uncertain significance for Ciliary dyskinesia, primary, 39. Last evaluated: 2021-03-09. Review status: criteria provided, single submitter. Criteria: ACMG Guidelines, 2015. Collection method: clinical testing. Allele origin: germline.

PreventionGenetics, part of Exact Sciences
Classification: Likely benign for LRRC56-related condition. Last evaluated: 2019-03-28. Review status: no assertion criteria provided. Collection method: clinical testing. Allele origin: germline. Not counted in ClinVar's aggregate classification.
Comment: This variant is classified as likely benign based on ACMG/AMP sequence variant interpretation guidelines (Richards et al. 2015 PMID: 25741868, with internal and published modifications).